The following is an entry in ClinVar:

ClinVar aggregate classification (germline): Uncertain significance. Review status: criteria provided, multiple submitters, no conflicts (2 of 4 stars). 2 submissions from 2 submitters: Uncertain significance (2). Last evaluated 2026-09-02.

Conditions:
PMP22-related disorder. Also called: PMP22-related condition; PMP22-related disorders.
Charcot-Marie-Tooth disease, type I (CMT1). Also called: Charcot-Marie-Tooth, Type 1; Charcot-Marie-Tooth disease type 1. Identifiers: Orphanet 65753, MedGen C0751036, MONDO:0019011.

Allele frequency attached by ClinVar (database versions not stated): gnomAD exomes below 0.00001; gnomAD 0.00001; TOPMed 0.00001.
gnomAD v4.1: 7 of 1,614,022 alleles (0.00043%); highest among the groups gnomAD compares: African/African-American, 0.0013%; no homozygotes.

Submissions (2):

PreventionGenetics, part of Exact Sciences
Classification: Uncertain significance for PMP22-related condition. Last evaluated: 2026-09-02. Review status: criteria provided, single submitter. Criteria: ACMG Guidelines, 2015. Collection method: clinical testing. Allele origin: germline.
Comment: The PMP22 c.454A>G variant is predicted to result in the amino acid substitution p.Ile152Val. To our knowledge, this variant has not been reported in the literature. This variant is reported in 0.0040% of alleles in individuals of African descent in gnomAD. At this time, the clinical significance of this variant is uncertain due to the absence of conclusive functional and genetic evidence.

Labcorp Genetics (formerly Invitae), Labcorp
Classification: Uncertain significance for Charcot-Marie-Tooth disease, type I. Last evaluated: 2024-04-25. Review status: criteria provided, single submitter. Criteria: Invitae Variant Classification Sherloc (09022015). Collection method: clinical testing. Allele origin: germline.
Comment: This sequence change replaces isoleucine, which is neutral and non-polar, with valine, which is neutral and non-polar, at codon 152 of the PMP22 protein (p.Ile152Val). This variant is present in population databases (no rsID available, gnomAD 0.004%). This variant has not been reported in the literature in individuals affected with PMP22-related conditions. ClinVar contains an entry for this variant (Variation ID: 531700). Advanced modeling of protein sequence and biophysical properties (such as structural, functional, and spatial information, amino acid conservation, physicochemical variation, residue mobility, and thermodynamic stability) performed at Invitae indicates that this missense variant is not expected to disrupt PMP22 protein function with a negative predictive value of 95%. In summary, the available evidence is currently insufficient to determine the role of this variant in disease. Therefore, it has been classified as a Variant of Uncertain Significance.

NM_000304.4(PMP22):c.454A>G (p.Ile152Val)

Gene: PMP22 (peripheral myelin protein 22; minus strand). Cytogenetic location: 17p12.
Variant type: single nucleotide variant.
Coding change: c.454A>G on transcript NM_000304.4 (MANE Select); coding-DNA position 454, A replaced by G.
Protein change: p.Ile152Val; replaces isoleucine 152 with valine.
Molecular consequence: missense variant. On other transcripts: non-coding transcript variant (2).
Genome position (GRCh38, 1-based): chr17:15,230,946, T>C on the plus strand (A>G on the coding strand, the complement: PMP22 is on the minus strand). VCF-style: chr17-15230946-T-C. GRCh37 (hg19) VCF-style: chr17-15134263-T-C.
Other names: c.454A>G, p.Ile152Val (NM_001281455.2, NM_001281456.2, NM_153321.3 and 1 more transcripts); short protein forms I152V.
Identifiers: ClinVar variation 531700 (VCV000531700.8), dbSNP rs1398185771, ClinGen allele CA398739486.
Genomic context (GRCh38, chr17:15,230,946, plus strand): 5'-CTCAGAGCCTCAGACAGACCGTCTGGGCGCCTCATTCGCGTTTCCGCAAGATCACATAGA[T>C]GACACCGCTGAGAAGGGCCAGGGGGAAGGCCACCCAGGCCAGGATGTAGGCGAAACCGTA-3'
Protein context (NP_000295.1, residues 142-160): AFPLALLSGV[Ile152Val]YVILRKRE